The following is an entry in ClinVar:

NM_005476.7(GNE):c.1282-7_1282-6insGTTGTTTTCTCCTTTTTTTTTTTTTTTTTTTTTTTTTTTTTTTTTTTTTTTTTTTTTTTTTTTTTTTTTGAGACGGAGTCTCGCTCTGTCGCCCAGGCGGGACTGCGGACTGCAGTGGCGCAATCTCGGCTCACTGCAAGCTCCGCTTCCCGGGTTCACGCCATTCTCCTGCCTCAGCCTCCCCAGTAGCTGGGACTACAGGCGCCCGCCACCGCGCCCGGCTAATTTTTTGTATTTTTAGTAGAGACGGGGTTTCACCTTGTTAGCCAGGATGGTCTCGATCTCCTGACCTCATGATCCACCCGCCTCGG

Gene: GNE (glucosamine (UDP-N-acetyl)-2-epimerase/N-acetylmannosamine kinase; minus strand). Cytogenetic location: 9p13.3.
Variant type: Microsatellite.
Coding change: c.1282-7_1282-6insGTTGTTTTCTCCTTTTTTTTTTTTTTTTTTTTTTTTTTTTTTTTTTTTTTTTTTTTTTTTTTTTTTTTTGAGACGGAGTCTCGCTCTGTCGCCCAGGCGGGACTGCGGACTGCAGTGGCGCAATCTCGGCTCACTGCAAGCTCCGCTTCCCGGGTTCACGCCATTCTCCTGCCTCAGCCTCCCCAGTAGCTGGGACTACAGGCGCCCGCCACCGCGCCCGGCTAATTTTTTGTATTTTTAGTAGAGACGGGGTTTCACCTTGTTAGCCAGGATGGTCTCGATCTCCTGACCTCATGATCCACCCGCCTCGG on transcript NM_005476.7 (MANE Select); 7 bases into the intron before coding-DNA position 1282 through 6 bases into the intron before coding-DNA position 1282, GTTGTTTTCTCCTTTTTTTTTTTTTTTTTTTTTTTTTTTTTTTTTTTTTTTTTTTTTTTTTTTTTTTTTGAGACGGAGTCTCGCTCTGTCGCCCAGGCGGGACTGCGGACTGCAGTGGCGCAATCTCGGCTCACTGCAAGCTCCGCTTCCCGGGTTCACGCCATTCTCCTGCCTCAGCCTCCCCAGTAGCTGGGACTACAGGCGCCCGCCACCGCGCCCGGCTAATTTTTTGTATTTTTAGTAGAGACGGGGTTTCACCTTGTTAGCCAGGATGGTCTCGATCTCCTGACCTCATGATCCACCCGCCTCGG inserted.
Molecular consequence: intron variant.
Genome position: GRCh38: chr9:36,223,509-36,223,519. GRCh37 (hg19): chr9:36,223,506-36,223,516.
Other names: c.1105-7_1105-6insGTTGTTTTCTCCTTTTTTTTTTTTTTTTTTTTTTTTTTTTTTTTTTTTTTTTTTTTTTTTTTTTTTTTTGAGACGGAGTCTCGCTCTGTCGCCCAGGCGGGACTGCGGACTGCAGTGGCGCAATCTCGGCTCACTGCAAGCTCCGCTTCCCGGGTTCACGCCATTCTCCTGCCTCAGCCTCCCCAGTAGCTGGGACTACAGGCGCCCGCCACCGCGCCCGGCTAATTTTTTGTATTTTTAGTAGAGACGGGGTTTCACCTTGTTAGCCAGGATGGTCTCGATCTCCTGACCTCATGATCCACCCGCCTCGG (NM_001190388.2, NM_001374798.1); c.1375-7_1375-6insGTTGTTTTCTCCTTTTTTTTTTTTTTTTTTTTTTTTTTTTTTTTTTTTTTTTTTTTTTTTTTTTTTTTTGAGACGGAGTCTCGCTCTGTCGCCCAGGCGGGACTGCGGACTGCAGTGGCGCAATCTCGGCTCACTGCAAGCTCCGCTTCCCGGGTTCACGCCATTCTCCTGCCTCAGCCTCCCCAGTAGCTGGGACTACAGGCGCCCGCCACCGCGCCCGGCTAATTTTTTGTATTTTTAGTAGAGACGGGGTTTCACCTTGTTAGCCAGGATGGTCTCGATCTCCTGACCTCATGATCCACCCGCCTCGG (NM_001128227.3); c.952-7_952-6insGTTGTTTTCTCCTTTTTTTTTTTTTTTTTTTTTTTTTTTTTTTTTTTTTTTTTTTTTTTTTTTTTTTTTGAGACGGAGTCTCGCTCTGTCGCCCAGGCGGGACTGCGGACTGCAGTGGCGCAATCTCGGCTCACTGCAAGCTCCGCTTCCCGGGTTCACGCCATTCTCCTGCCTCAGCCTCCCCAGTAGCTGGGACTACAGGCGCCCGCCACCGCGCCCGGCTAATTTTTTGTATTTTTAGTAGAGACGGGGTTTCACCTTGTTAGCCAGGATGGTCTCGATCTCCTGACCTCATGATCCACCCGCCTCGG (NM_001190384.3); c.1129-7_1129-6insGTTGTTTTCTCCTTTTTTTTTTTTTTTTTTTTTTTTTTTTTTTTTTTTTTTTTTTTTTTTTTTTTTTTTGAGACGGAGTCTCGCTCTGTCGCCCAGGCGGGACTGCGGACTGCAGTGGCGCAATCTCGGCTCACTGCAAGCTCCGCTTCCCGGGTTCACGCCATTCTCCTGCCTCAGCCTCCCCAGTAGCTGGGACTACAGGCGCCCGCCACCGCGCCCGGCTAATTTTTTGTATTTTTAGTAGAGACGGGGTTTCACCTTGTTAGCCAGGATGGTCTCGATCTCCTGACCTCATGATCCACCCGCCTCGG (NM_001374797.1); c.1282-7_1282-6insGTTGTTTTCTCCTTTTTTTTTTTTTTTTTTTTTTTTTTTTTTTTTTTTTTTTTTTTTTTTTTTTTTTTTGAGACGGAGTCTCGCTCTGTCGCCCAGGCGGGACTGCGGACTGCAGTGGCGCAATCTCGGCTCACTGCAAGCTCCGCTTCCCGGGTTCACGCCATTCTCCTGCCTCAGCCTCCCCAGTAGCTGGGACTACAGGCGCCCGCCACCGCGCCCGGCTAATTTTTTGTATTTTTAGTAGAGACGGGGTTTCACCTTGTTAGCCAGGATGGTCTCGATCTCCTGACCTCATGATCCACCCGCCTCGG (NM_001190383.3).
Identifiers: ClinVar variation 1485353 (VCV001485353.6).

ClinVar aggregate classification (germline): Uncertain significance (1 of 4 stars; one submission).

Conditions:
Sialuria. Also called: Sialic Acid Storage Disease; SIALURIA, FRENCH TYPE. Identifiers: Orphanet 3166, MedGen C0342853, MONDO:0010028, OMIM 269921.
GNE myopathy (NM). Also called: INCLUSION BODY MYOPATHY, HEREDITARY, AUTOSOMAL RECESSIVE; NONAKA DISTAL MYOPATHY; MYOPATHY, DISTAL, WITH OR WITHOUT RIMMED VACUOLES; INCLUSION BODY MYOPATHY 2, AUTOSOMAL RECESSIVE; IBM 2; Inclusion body myopathy autosomal recessive. Identifiers: Orphanet 602, MedGen C1853926, MONDO:0011603, OMIM 605820.

Submission:

Labcorp Genetics (formerly Invitae), Labcorp
Classification: Uncertain significance for Sialuria; GNE myopathy. Last evaluated: 2021-10-28. Review status: criteria provided, single submitter. Criteria: Invitae Variant Classification Sherloc (09022015). Collection method: clinical testing. Allele origin: germline.
Comment: This variant has not been reported in the literature in individuals affected with GNE-related conditions. This sequence change falls in intron 7 of the GNE gene. It does not directly change the encoded amino acid sequence of the GNE protein. This variant is not present in population databases (gnomAD no frequency). Algorithms developed to predict the effect of sequence changes on RNA splicing suggest that this variant may create or strengthen a splice site. In summary, the available evidence is currently insufficient to determine the role of this variant in disease. Therefore, it has been classified as a Variant of Uncertain Significance.